The following is an entry in ClinVar:

ClinVar aggregate classification (germline): Benign. Review status: criteria provided, multiple submitters, no conflicts (2 of 4 stars). 7 submissions from 7 submitters: Benign (6). 1 of the submissions does not count toward it. Last evaluated 2026-01-15.

Conditions:
Lissencephaly 10. Identifiers: MedGen C5394354, MONDO:0030031, OMIM 618873.
Dilated cardiomyopathy 1P (CMD1P). Identifiers: Orphanet 154, MedGen C1835928, MONDO:0012362, OMIM 609909.

Allele frequency attached by ClinVar (database versions not stated): 1000 Genomes Project 0.01897; gnomAD 0.04033 and 0.04176; TOPMed 0.03485; 1000 Genomes Project 30x 0.01702; gnomAD exomes 0.07143.
gnomAD v4.1: 6,129 of 152,116 alleles (4%); highest among the groups gnomAD compares: Non-Finnish European, 6%; 198 homozygotes.

Submissions (7):

Labcorp Genetics (formerly Invitae), Labcorp
Classification: Benign for Dilated cardiomyopathy 1P. Last evaluated: 2026-01-15. Review status: criteria provided, single submitter. Criteria: Invitae Variant Classification Sherloc (09022015). Collection method: clinical testing. Allele origin: germline.

Blueprint Genetics
Classification: Benign. Last evaluated: 2024-11-26. Review status: criteria provided, single submitter. Criteria: ACMG Guidelines, 2015. Collection method: clinical testing. Allele origin: germline.

ARUP Laboratories, Molecular Genetics and Genomics, ARUP Laboratories
Classification: Benign for Lissencephaly 10. Last evaluated: 2023-11-02. Review status: criteria provided, single submitter. Criteria: ARUP Molecular Germline Variant Investigation Process 2024. Collection method: clinical testing. Allele origin: germline.

Department of Pathology and Laboratory Medicine, Sinai Health System
Classification: Benign for Lissencephaly 10. Last evaluated: 2023-04-17. Review status: criteria provided, single submitter. Criteria: ACMG Guidelines, 2015. Collection method: research. Allele origin: germline.

Laboratory for Molecular Medicine, Mass General Brigham Personalized Medicine
Classification: Benign. Last evaluated: 2016-03-28. Review status: criteria provided, single submitter. Criteria: LMM Criteria. Collection method: clinical testing. Allele origin: germline.
Comment: Variant identified in a genome or exome case(s) and assessed due to predicted null impact of the variant or pathogenic assertions in the literature or databases. Disclaimer: This variant has not undergone full assessment. The following are preliminary notes: Frequency in 1000Genomes: 67/2178=3%

GeneDx
Classification: Benign. Last evaluated: 2015-03-03. Review status: criteria provided, single submitter. Criteria: GeneDx Variant Classification Process June 2021. Collection method: clinical testing. Allele origin: germline. Affected: yes.
Comment: This variant is associated with the following publications: (PMID: 18241046, 24037902, 21167350)

OMIM
Classification: Pathogenic for CARDIOMYOPATHY, DILATED, 1P. Last evaluated: 2008-05-01. Review status: no assertion criteria provided. Collection method: literature only. Allele origin: germline. Not counted in ClinVar's aggregate classification.

Literature cited by the submitters: PubMed 18241046 (cited by OMIM).

NM_001042475.3(CEP85L):c.1020+17269T>G

Genes: CEP85L (centrosomal protein 85L; minus strand), PLN (phospholamban; plus strand). Cytogenetic location: 6q22.31.
Variant type: single nucleotide variant.
Coding change: c.1020+17269T>G on transcript NM_001042475.3 (MANE Select); 17269 bases into the intron after coding-DNA position 1020, T replaced by G.
Molecular consequence: intron variant.
Genome position (GRCh38, 1-based): chr6:118,548,260, A>C on the plus strand (T>G on the coding strand, the complement: CEP85L is on the minus strand). VCF-style: chr6-118548260-A-C. GRCh37 (hg19) VCF-style: chr6-118869423-A-C.
Other names: -36A-C; c.1029+17269T>G (NM_001178035.2); c.1020+17269T>G (NM_206921.3).
Identifiers: ClinVar variation 403328 (VCV000403328.64), dbSNP rs77186188, ClinGen allele CA16277783.